The following is an entry in ClinVar:

NM_000278.5(PAX2):c.535_546delinsT (p.Asn179fs)

Gene: PAX2 (paired box 2; plus strand). Cytogenetic location: 10q24.31.
Variant type: Indel.
Coding change: c.535_546delinsT on transcript NM_000278.5 (MANE Select); coding-DNA positions 535 to 546, AATGACCCAGTG replaced by T.
Protein change: p.Asn179fs; shifts the reading frame from asparagine 179.
Molecular consequence: frameshift variant.
Genome position (GRCh38, 1-based): chr10:100,781,284-100,781,295, AATGACCCAGTG replaced by T. VCF-style: chr10-100781284-AATGACCCAGTG-T. GRCh37 (hg19) VCF-style: chr10-102541041-AATGACCCAGTG-T.
Other names: c.628_639delinsT, p.Asn210fs (NM_001304569.2); c.535_546delinsT, p.Asn179fs (NM_003987.5, NM_003988.5, NM_003989.5 and 1 more transcripts); short protein forms N179fs, N210fs.
Identifiers: ClinVar variation 3602561 (VCV003602561.2).

ClinVar aggregate classification (germline): Likely pathogenic (1 of 4 stars; one submission).

Conditions:
Renal coloboma syndrome (PAPRS). Also called: PAPILLORENAL SYNDROME; COLOBOMA OF OPTIC NERVE WITH RENAL DISEASE; OPTIC COLOBOMA, VESICOURETERAL REFLUX, AND RENAL ANOMALIES; OPTIC NERVE COLOBOMA WITH RENAL DISEASE; RENAL-COLOBOMA SYNDROME WITH MACULAR ABNORMALITIES; PAPILLORENAL SYNDROME WITH MILD OCULAR ABNORMALITIES. Identifiers: Orphanet 1475, MedGen C1852759, MONDO:0007352, OMIM 120330.

Submission:

Department of Pediatrics, Seoul National University Bundang Hospital
Classification: Likely pathogenic for Renal coloboma syndrome. Last evaluated: 2024-12-01. Review status: criteria provided, single submitter. Criteria: ACMG Guidelines, 2015. Collection method: clinical testing. Allele origin: unknown. Inheritance: Autosomal dominant inheritance. Observed: 1 variant allele.
Comment: The p.Asn179TrpfsTer17 variant is a novel frameshift variant and is regarded as likely pathogenic (PVS1, PM2, according to ACMG criteria).